The following is an entry in ClinVar:

NM_003000.3(SDHB):c.424-5C>G

Gene: SDHB (succinate dehydrogenase complex iron sulfur subunit B; minus strand). Cytogenetic location: 1p36.13.
Variant type: single nucleotide variant.
Coding change: c.424-5C>G on transcript NM_003000.3 (MANE Select); 5 bases into the intron before coding-DNA position 424, C replaced by G.
Molecular consequence: intron variant.
Genome position (GRCh38, 1-based): chr1:17,027,870, G>C on the plus strand (C>G on the coding strand, the complement: SDHB is on the minus strand). VCF-style: chr1-17027870-G-C. GRCh37 (hg19) VCF-style: chr1-17354365-G-C.
Identifiers: ClinVar variation 459146 (VCV000459146.10), dbSNP rs1553177690, ClinGen allele CA658656889.
Genomic context (GRCh38, chr1:17,027,870, plus strand): 5'-TTCTTCTTCAAATAAGGCTCAATGGATTTGTACTGTGCATAGAAGTTGCTCAAATCCTGT[G>C]GTTAAGAGGAAGAAGAAGAAGAAGAAGAAGAAAAGGATCAGATTCCATCATCACCTCAGC-3'

ClinVar aggregate classification (germline): Conflicting classifications of pathogenicity. Review status: criteria provided, conflicting classifications (1 of 4 stars). 2 submissions from 2 submitters: Uncertain significance (1); Likely benign (1). Last evaluated 2024-12-09.

Conditions:
Pheochromocytoma. Also called: MAX-Related Hereditary Paraganglioma-Pheochromocytoma Syndrome. Identifiers: Orphanet 29072, MedGen C0031511, MONDO:0008233, OMIM 171300, HP:0002666.
Pheochromocytoma/paraganglioma syndrome 4. Also called: SDHB-Related Hereditary Paraganglioma-Pheochromocytoma Syndrome (Paragangliomas 4); CAROTID BODY TUMORS AND MULTIPLE EXTRAADRENAL PHEOCHROMOCYTOMAS; PARAGANGLIOMA, FAMILIAL MALIGNANT; PARAGANGLIOMAS, HEREDITARY EXTRAADRENAL; SDHB-Related Hereditary Paraganglioma-Pheochromocytoma Syndrome; PHEOCHROMOCYTOMA, FAMILIAL EXTRAADRENAL. Identifiers: Orphanet 29072, MedGen C1861848, MONDO:0007273, OMIM 115310.
Gastrointestinal stromal tumor. Also called: Gastrointestinal stroma tumor; Gastrointestinal stromal tumor, somatic. Identifiers: Orphanet 44890, MedGen C0238198, MeSH D046152, MONDO:0011719, OMIM 606764, HP:0100723.
Hereditary cancer-predisposing syndrome. Also called: Tumor predisposition; Hereditary neoplastic syndrome; Neoplastic Syndromes, Hereditary; Hereditary Cancer Syndrome. Identifiers: Orphanet 140162, MedGen C0027672, MeSH D009386, MONDO:0015356.

Allele frequency attached by ClinVar (database versions not stated): TOPMed below 0.00001.

Submissions (2):

Labcorp Genetics (formerly Invitae), Labcorp
Classification: Likely benign for Gastrointestinal stromal tumor; Pheochromocytoma/paraganglioma syndrome 4; Pheochromocytoma. Last evaluated: 2024-12-09. Review status: criteria provided, single submitter. Criteria: Invitae Variant Classification Sherloc (09022015). Collection method: clinical testing. Allele origin: germline.

Ambry Genetics
Classification: Uncertain significance for Hereditary cancer-predisposing syndrome. Last evaluated: 2023-05-22. Review status: criteria provided, single submitter. Criteria: Ambry Variant Classification Scheme 2023. Collection method: clinical testing. Allele origin: germline.
Comment: The c.424-5C>G intronic variant results from a C to G substitution 5 nucleotides upstream from coding exon 5 in the SDHB gene. This nucleotide position is not well conserved in available vertebrate species. In silico splice site analysis for this alteration is inconclusive. Since supporting evidence is limited at this time, the clinical significance of this alteration remains unclear.